The following is an entry in ClinVar:

NM_020944.3(GBA2):c.1130-14T>A

Gene: GBA2 (glucosylceramidase beta 2; minus strand). Cytogenetic location: 9p13.3.
Variant type: single nucleotide variant.
Coding change: c.1130-14T>A on transcript NM_020944.3 (MANE Select); 14 bases into the intron before coding-DNA position 1130, T replaced by A.
Molecular consequence: intron variant.
Genome position (GRCh38, 1-based): chr9:35,740,376, A>T on the plus strand (T>A on the coding strand, the complement: GBA2 is on the minus strand). VCF-style: chr9-35740376-A-T. GRCh37 (hg19) VCF-style: chr9-35740373-A-T.
Other names: c.1130-14T>A (NM_001330660.2).
Identifiers: ClinVar variation 2056526 (VCV002056526.4), dbSNP rs201873151, ClinGen allele CA5050498.

ClinVar aggregate classification (germline): Uncertain significance (1 of 4 stars; one submission).

Conditions:
Spastic paraplegia. Identifiers: MedGen C0037772, HP:0001258.

gnomAD v4.1: 57 of 1,611,500 alleles (0.0035%); highest among the groups gnomAD compares: Non-Finnish European, 0.0047%; no homozygotes.

Submission:

Labcorp Genetics (formerly Invitae), Labcorp
Classification: Uncertain significance for Spastic paraplegia. Last evaluated: 2022-07-17. Review status: criteria provided, single submitter. Criteria: Invitae Variant Classification Sherloc (09022015). Collection method: clinical testing. Allele origin: germline.
Comment: This sequence change falls in intron 6 of the GBA2 gene. It does not directly change the encoded amino acid sequence of the GBA2 protein. This variant is present in population databases (rs201873151, gnomAD 0.006%). This variant has not been reported in the literature in individuals affected with GBA2-related conditions. Algorithms developed to predict the effect of sequence changes on RNA splicing suggest that this variant may create or strengthen a splice site. In summary, the available evidence is currently insufficient to determine the role of this variant in disease. Therefore, it has been classified as a Variant of Uncertain Significance.